The following is an entry in ClinVar:

ClinVar aggregate classification (germline): Pathogenic (1 of 4 stars; one submission).

Submission:

Labcorp Genetics (formerly Invitae), Labcorp
Classification: Pathogenic. Last evaluated: 2022-05-09. Review status: criteria provided, single submitter. Criteria: Invitae Variant Classification Sherloc (09022015). Collection method: clinical testing. Allele origin: germline.
Comment: For these reasons, this variant has been classified as Pathogenic. This variant has not been reported in the literature in individuals affected with ANK1-related conditions. This variant is not present in population databases (gnomAD no frequency). This sequence change creates a premature translational stop signal (p.Gly56Alafs*3) in the ANK1 gene. It is expected to result in an absent or disrupted protein product. Loss-of-function variants in ANK1 are known to be pathogenic (PMID: 8640229).

Literature cited by the submitters: PubMed 8640229.

NM_000037.4(ANK1):c.165del (p.Gly56fs)

Gene: ANK1 (ankyrin 1; minus strand). Cytogenetic location: 8p11.21.
Variant type: Deletion.
Coding change: c.165del on transcript NM_000037.4 (MANE Select); coding-DNA position 165, one base deleted (A; older notation c.165delA).
Protein change: p.Gly56fs; shifts the reading frame from glycine 56.
Molecular consequence: frameshift variant.
Genome position (GRCh38, 1-based): chr8:41,734,034, T deleted on the plus strand (A on the coding strand, the reverse complement: ANK1 is on the minus strand); the first of 2 consecutive T bases (chr8:41,734,034-41,734,035); deleting either gives the same sequence. VCF-style (leftmost placement, unchanged base first): chr8-41734033-CT-C. GRCh37 (hg19) VCF-style: chr8-41591551-CT-C.
Other names: c.165del, p.Gly56fs (NM_020477.3, NM_020475.3, NM_020476.3); c.264del, p.Gly89fs (NM_001142446.2); short protein forms G56fs, G89fs.
Identifiers: ClinVar variation 2135967 (VCV002135967.4), dbSNP rs2487036360, ClinGen allele CA2580078463.